The following is an entry in ClinVar:

ClinVar aggregate classification (germline): Uncertain significance. Review status: criteria provided, multiple submitters, no conflicts (2 of 4 stars). 5 submissions from 5 submitters: Uncertain significance (4). 1 of the submissions does not count toward it. Last evaluated 2024-12-05.

Conditions:
Usher syndrome type 1 (USH1). Also called: RETINITIS PIGMENTOSA AND CONGENITAL DEAFNESS. Identifiers: Orphanet 231169, Orphanet 886, MedGen C1568247, MONDO:0010168, OMIM 276900.
Usher syndrome type 1F (USH1F). Also called: USHER SYNDROME, TYPE IF. Identifiers: Orphanet 231169, Orphanet 886, MedGen C1865885, MONDO:0011186, OMIM 602083.

Allele frequency attached by ClinVar (database versions not stated): 1000 Genomes Project 30x 0.00031; gnomAD 0.00013; gnomAD exomes 0.00010 and 0.00022; TOPMed 0.00013; ExAC 0.00011; 1000 Genomes Project 0.00020; ESP Exome Variant Server 0.00015.
gnomAD v4.1: 332 of 1,614,004 alleles (0.021%); highest among the groups gnomAD compares: Non-Finnish European, 0.028%; no homozygotes.

Submissions (5):

GeneDx
Classification: Uncertain significance. Last evaluated: 2024-12-05. Review status: criteria provided, single submitter. Criteria: GeneDx Variant Classification Process June 2021. Collection method: clinical testing. Allele origin: germline. Affected: yes.
Comment: In silico analysis indicates that this missense variant does not alter protein structure/function; Has not been previously published as pathogenic or benign to our knowledge

Labcorp Genetics (formerly Invitae), Labcorp
Classification: Uncertain significance. Last evaluated: 2022-10-25. Review status: criteria provided, single submitter. Criteria: Invitae Variant Classification Sherloc (09022015). Collection method: clinical testing. Allele origin: germline.
Comment: This sequence change replaces alanine, which is neutral and non-polar, with glutamic acid, which is acidic and polar, at codon 1631 of the PCDH15 protein (p.Ala1631Glu). This variant is present in population databases (rs56332160, gnomAD 0.02%). This variant has not been reported in the literature in individuals affected with PCDH15-related conditions. ClinVar contains an entry for this variant (Variation ID: 300175). Algorithms developed to predict the effect of missense changes on protein structure and function output the following: SIFT: "Tolerated"; PolyPhen-2: "Benign"; Align-GVGD: "Class C0". The glutamic acid amino acid residue is found in multiple mammalian species, which suggests that this missense change does not adversely affect protein function. In summary, the available evidence is currently insufficient to determine the role of this variant in disease. Therefore, it has been classified as a Variant of Uncertain Significance.

ARUP Laboratories, Molecular Genetics and Genomics, ARUP Laboratories
Classification: Uncertain significance. Last evaluated: 2018-12-19. Review status: criteria provided, single submitter. Criteria: ARUP Molecular Germline Variant Investigation Process. Collection method: clinical testing. Allele origin: germline.
Comment: The PCDH15 c.4892C>A; p.Ala1631Glu variant (rs56332160), to our knowledge, is not reported in the medical literature but is reported in ClinVar (Variation ID: 300175). This variant is found in the non-Finnish European population with an overall allele frequency of 0.02% (23/126698 alleles) in the Genome Aggregation Database. The alanine at codon 1631 is weakly conserved, and computational analyses (SIFT, PolyPhen-2) predict that this variant is tolerated. However, due to limited information, the clinical significance of the p.Ala1631Glu variant is uncertain at this time.

Illumina Laboratory Services, Illumina
Classification: Uncertain significance for Usher syndrome type 1. Last evaluated: 2018-01-13. Review status: criteria provided, single submitter. Criteria: ICSL Variant Classification Criteria 13 December 2019. Collection method: clinical testing. Allele origin: germline.

Natera, Inc.
Classification: Uncertain significance for Usher syndrome type 1F. Last evaluated: 2019-11-11. Review status: no assertion criteria provided. Collection method: clinical testing. Allele origin: germline. Not counted in ClinVar's aggregate classification.

NM_033056.4(PCDH15):c.4892C>A (p.Ala1631Glu)

Gene: PCDH15 (protocadherin related 15; minus strand). Cytogenetic location: 10q21.1.
Variant type: single nucleotide variant.
Coding change: c.4892C>A on transcript NM_033056.4 (MANE Plus Clinical); coding-DNA position 4892, C replaced by A.
Protein change: p.Ala1631Glu; replaces alanine 1631 with glutamic acid.
Molecular consequence: missense variant. On other transcripts: intron variant (8).
Genome position (GRCh38, 1-based): chr10:53,822,834, G>T on the plus strand (C>A on the coding strand, the complement: PCDH15 is on the minus strand). VCF-style: chr10-53822834-G-T. GRCh37 (hg19) VCF-style: chr10-55582594-G-T.
Other names: c.4913C>A, p.Ala1638Glu (NM_001142763.2); c.4898C>A, p.Ala1633Glu (NM_001142764.2); c.4685C>A, p.Ala1562Glu (NM_001142765.2); c.4883C>A, p.Ala1628Glu (NM_001142766.2); c.4772C>A, p.Ala1591Glu (NM_001142767.2); c.4832C>A, p.Ala1611Glu (NM_001142768.2); c.4823C>A, p.Ala1608Glu (NM_001142773.2); c.4826C>A, p.Ala1609Glu (NM_001354404.2); and 6 more; short protein forms A1631E, A1591E, A1633E, A1562E, A1609E, A1611E, A1628E, A1638E.
Identifiers: ClinVar variation 300175 (VCV000300175.17), dbSNP rs56332160, ClinGen allele CA5505174.